The following is an entry in ClinVar:

NM_006648.4(WNK2):c.4324G>T (p.Ala1442Ser)

Gene: WNK2 (WNK lysine deficient protein kinase 2; plus strand). Cytogenetic location: 9q22.31.
Variant type: single nucleotide variant.
Coding change: c.4324G>T on transcript NM_006648.4 (MANE Select); coding-DNA position 4324, G replaced by T.
Protein change: p.Ala1442Ser; replaces alanine 1442 with serine.
Molecular consequence: missense variant.
Genome position (GRCh38, 1-based): chr9:93,289,078, G>T. VCF-style: chr9-93289078-G-T. GRCh37 (hg19) VCF-style: chr9-96051360-G-T.
Other names: c.4435G>T, p.Ala1479Ser (NM_001282394.3); short protein forms A1479S, A1442S.
Identifiers: ClinVar variation 3817171 (VCV003817171.1).
Genomic context (GRCh38, chr9:93,289,078, plus strand): 5'-ACACCTCAGGGGCTGACCAGTGAGCTCGAGACGTCTCAGCCACTAGCGGAGACTCACGAG[G>T]CCCCGCTTGCTGTGCAGCCCCTCGTGGTGGGCCTAGCACCTTGCACTCCAGCTCCAGAGG-3'
Protein context (NP_006639.3, residues 1432-1452): TSQPLAETHE[Ala1442Ser]PLAVQPLVVG

ClinVar aggregate classification (germline): Uncertain significance (1 of 4 stars; one submission).

Submission:

Ambry Genetics
Classification: Uncertain significance. Last evaluated: 2025-02-27. Review status: criteria provided, single submitter. Criteria: Ambry Variant Classification Scheme 2023. Collection method: clinical testing. Allele origin: germline.
Comment: The p.A1442S variant (also known as c.4324G>T), located in coding exon 19 of the WNK2 gene, results from a G to T substitution at nucleotide position 4324. The alanine at codon 1442 is replaced by serine, an amino acid with similar properties. This amino acid position is conserved. In addition, this alteration is predicted to be tolerated by in silico analysis. Based on the available evidence, the clinical significance of this variant remains unclear.